The following is an entry in ClinVar:

ClinVar aggregate classification (germline): Uncertain significance. Review status: criteria provided, multiple submitters, no conflicts (2 of 4 stars). 2 submissions from 2 submitters: Uncertain significance (2). Last evaluated 2023-09-04.

Conditions:
Myopathy, centronuclear, 2 (CNM2). Also called: MYOTUBULAR MYOPATHY, AUTOSOMAL RECESSIVE. Identifiers: Orphanet 169186, MedGen CN031787, MONDO:0009709, OMIM 255200.

Allele frequency attached by ClinVar (database versions not stated): gnomAD exomes 0.00001.

Submissions (2):

Labcorp Genetics (formerly Invitae), Labcorp
Classification: Uncertain significance for Myopathy, centronuclear, 2. Last evaluated: 2023-09-04. Review status: criteria provided, single submitter. Criteria: Invitae Variant Classification Sherloc (09022015). Collection method: clinical testing. Allele origin: germline.
Comment: In summary, the available evidence is currently insufficient to determine the role of this variant in disease. Therefore, it has been classified as a Variant of Uncertain Significance. This sequence change replaces methionine, which is neutral and non-polar, with valine, which is neutral and non-polar, at codon 126 of the BIN1 protein (p.Met126Val). This variant is present in population databases (no rsID available, gnomAD 0.002%). This variant has not been reported in the literature in individuals affected with BIN1-related conditions. ClinVar contains an entry for this variant (Variation ID: 2439525). Advanced modeling of protein sequence and biophysical properties (such as structural, functional, and spatial information, amino acid conservation, physicochemical variation, residue mobility, and thermodynamic stability) performed at Invitae indicates that this missense variant is not expected to disrupt BIN1 protein function.

Revvity Omics, Revvity
Classification: Uncertain significance for Myopathy, centronuclear, 2. Last evaluated: 2022-06-08. Review status: criteria provided, single submitter. Criteria: ACMG Guidelines, 2015. Collection method: clinical testing. Allele origin: germline.

NM_139343.3(BIN1):c.376A>G (p.Met126Val)

Gene: BIN1 (bridging integrator 1; minus strand). Cytogenetic location: 2q14.3.
Variant type: single nucleotide variant.
Coding change: c.376A>G on transcript NM_139343.3 (MANE Select); coding-DNA position 376, A replaced by G.
Protein change: p.Met126Val; replaces methionine 126 with valine.
Molecular consequence: missense variant.
Genome position (GRCh38, 1-based): chr2:127,070,030, T>C on the plus strand (A>G on the coding strand, the complement: BIN1 is on the minus strand). VCF-style: chr2-127070030-T-C. GRCh37 (hg19) VCF-style: chr2-127827606-T-C.
Other names: c.376A>G, p.Met126Val (NM_001320632.2, NM_001320633.2, NM_001320640.2 and 10 more transcripts); c.304A>G, p.Met102Val (NM_001320634.1); c.295A>G, p.Met99Val (NM_001320642.1); short protein forms M102V, M126V, M99V.
Identifiers: ClinVar variation 2439525 (VCV002439525.6), dbSNP rs1258696983, ClinGen allele CA348368889.
Genomic context (GRCh38, chr2:127,070,030, plus strand): 5'-GCAGATCTGCAAGTGGGTCTCTCACCTTGATGTCGGGGAACTGGCCCAGGTACGTGTCCA[T>C]GGTCAGCAGCGCCTGGTCCACCAGCTTCTGGTGGTAATCCATCCACAGCAGGTCGTTGTT-3'
Protein context (NP_647593.1, residues 116-136): QKLVDQALLT[Met126Val]DTYLGQFPDI